The following is an entry in ClinVar:

ClinVar aggregate classification (germline): Likely pathogenic. Review status: criteria provided, multiple submitters, no conflicts (2 of 4 stars). 2 submissions from 2 submitters: Likely pathogenic (2). Last evaluated 2026-03-25.

Conditions:
DOCK8-related disorders.
Combined immunodeficiency due to DOCK8 deficiency (HIES2). Also called: HIES autosomal recessive; Hyper-IgE recurrent infection syndrome, autosomal recessive; HYPER-IgE RECURRENT INFECTION SYNDROME 2, AUTOSOMAL RECESSIVE; HYPER-IgE SYNDROME 2, AUTOSOMAL RECESSIVE, WITH RECURRENT INFECTIONS; DOCK8 Deficiency. Identifiers: Orphanet 217390, MedGen C4722305, MONDO:0009478, OMIM 243700.

Submissions (2):

Victorian Clinical Genetics Services, Murdoch Childrens Research Institute
Classification: Likely pathogenic for Combined immunodeficiency due to DOCK8 deficiency. Last evaluated: 2026-03-25. Review status: criteria provided, single submitter. Criteria: ACMG Guidelines, 2015. Collection method: clinical testing. Allele origin: germline.
Comment: This variant is classified as Likely pathogenic. Evidence in support of pathogenic classification: Canonical splice site variant without proven consequence on splicing (no functional evidence available); Variant is absent from gnomAD (v2, v3 and v4); Another canonical splice variant comparable to the one identified in this case has limited previous evidence for pathogenicity. The c.528+1G>C variant has been reported in the literature in a homozygous individual with a clinical suspicion of primary immunodeficiency (PMID: 32135276); Abnormal splicing is predicted by in silico tool and affected nucleotide is highly conserved. Additional information: This variant is heterozygous; This gene is associated with autosomal recessive disease; This variant has no previous evidence of pathogenicity; No published evidence of segregation with disease has been identified for this variant; No published functional evidence has been identified for this variant; Loss of function is a known mechanism of disease in this gene and is associated with autosomal recessive hyper-IgE syndrome 2 with recurrent infections (MIM#243700); Inheritance information for this variant is not currently available in this individual.

Blueprint Genetics
Classification: Likely pathogenic for DOCK8-related disorders. Last evaluated: 2024-08-09. Review status: criteria provided, single submitter. Criteria: ACMG Guidelines, 2015. Collection method: clinical testing. Allele origin: germline. Affected: yes. Observed: 2 variant alleles.

Literature cited by the submitters: PubMed 32135276 (cited by Victorian Clinical Genetics Services, Murdoch Childrens Research Institute).

NM_203447.4(DOCK8):c.528+1G>A

Gene: DOCK8 (dedicator of cytokinesis 8; plus strand). Cytogenetic location: 9p24.3.
Variant type: single nucleotide variant.
Coding change: c.528+1G>A on transcript NM_203447.4 (MANE Select); the canonical splice donor site of the intron after coding-DNA position 528, G replaced by A.
Molecular consequence: splice donor variant.
Genome position (GRCh38, 1-based): chr9:304,705, G>A. VCF-style: chr9-304705-G-A. GRCh37 (hg19) VCF-style: chr9-304705-G-A.
Other names: c.324+1G>A (NM_001193536.2, NM_001190458.2).
Identifiers: ClinVar variation 4879764 (VCV004879764.2).